The following is an entry in ClinVar:

NM_003924.4(PHOX2B):c.519C>A (p.Gly173=)

Gene: PHOX2B (paired like homeobox 2B; minus strand). Cytogenetic location: 4p13.
Variant type: single nucleotide variant.
Coding change: c.519C>A on transcript NM_003924.4 (MANE Select); coding-DNA position 519, C replaced by A.
Protein change: p.Gly173=; no amino-acid change (glycine 173 retained).
Molecular consequence: synonymous variant.
Genome position (GRCh38, 1-based): chr4:41,746,233, G>T on the plus strand (C>A on the coding strand, the complement: PHOX2B is on the minus strand). VCF-style: chr4-41746233-G-T. GRCh37 (hg19) VCF-style: chr4-41748250-G-T.
Identifiers: ClinVar variation 4084800 (VCV004084800.8).

ClinVar aggregate classification (germline): Likely benign (1 of 4 stars; one submission).

Submission:

CeGaT Center for Human Genetics Tuebingen
Classification: Likely benign. Last evaluated: 2025-08-01. Review status: criteria provided, single submitter. Criteria: CeGaT Center For Human Genetics Tuebingen Variant Classification Criteria Version 2. Collection method: clinical testing. Allele origin: germline. Affected: yes. Observed: 1 variant allele.
Comment: PHOX2B: PM2:Supporting, BP4, BP7